The following is an entry in ClinVar:

ClinVar aggregate classification (germline): Pathogenic. Review status: criteria provided, multiple submitters, no conflicts (2 of 4 stars). 20 submissions from 20 submitters: Pathogenic (17). 3 of the submissions do not count toward it. Last evaluated 2026-01-11.

Conditions:
Cardiovascular phenotype. Identifiers: MedGen CN230736.
Hereditary cancer-predisposing syndrome. Also called: Tumor predisposition; Hereditary Cancer Syndrome; Hereditary neoplastic syndrome; Neoplastic Syndromes, Hereditary. Identifiers: Orphanet 140162, MedGen C0027672, MeSH D009386, MONDO:0015356.
Tibial pseudarthrosis. Identifiers: MedGen C4024216, HP:0009736.
Neurofibromatosis, type 1 (NF1). Also called: Neurofibromatosis, type I; NEUROFIBROMATOSIS, TYPE I, SOMATIC; VON RECKLINGHAUSEN DISEASE; Peripheral type neurofibromatosis. Identifiers: Orphanet 636, MedGen C0027831, MONDO:0018975, OMIM 162200. Disease mechanism: loss of function.
NF1-related disorder. Also called: NF1-related condition. Identifiers: MedGen CN379171.

Allele frequency attached by ClinVar (database versions not stated): gnomAD exomes below 0.00001.
gnomAD v4.1: 1 of 1,613,356 alleles (0.000062%); highest among the groups gnomAD compares: Admixed American, 0.0017%; no homozygotes.

Submissions 1 to 11 of 20:

Labcorp Genetics (formerly Invitae), Labcorp
Classification: Pathogenic for Neurofibromatosis, type 1. Last evaluated: 2026-01-11. Review status: criteria provided, single submitter. Criteria: Invitae Variant Classification Sherloc (09022015). Collection method: clinical testing. Allele origin: germline.
Comment: This sequence change affects a donor splice site in intron 23 of the NF1 gene. RNA analysis indicates that disruption of this splice site induces altered splicing and likely results in a shortened protein product. This variant is present in population databases (rs267606599, gnomAD 0.003%). Disruption of this splice site has been observed in individuals with neurofibromatosis, type 1 (PMID: 16944272, 18484666, 25293717, 26962827, 26969325). Invitae Evidence Modeling of clinical and family history, age, sex, and reported ancestry of multiple individuals with this NF1 variant has been performed. This variant is expected to be pathogenic with a positive predictive value of at least 99%. This is a validated machine learning model that incorporates the clinical features of 1,785,918 individuals referred to our laboratory for NF1 testing. ClinVar contains an entry for this variant (Variation ID: 345). Studies have shown that disruption of this splice site results in skipping of exon 23, but is expected to preserve the integrity of the reading-frame (PMID: 7633431). For these reasons, this variant has been classified as Pathogenic.

Genesolutions, Medical Genetics Institutes, Ho Chi Minh City, Vietnam
Classification: Pathogenic for Neurofibromatosis, type 1. Last evaluated: 2025-09-24. Review status: criteria provided, single submitter. Criteria: ACMG Guidelines, 2015. Collection method: clinical testing. Allele origin: germline. Affected: yes.

Clinical Genetics Laboratory, Skane University Hospital Lund
Classification: Pathogenic for Neurofibromatosis, type 1. Last evaluated: 2025-07-03. Review status: criteria provided, single submitter. Criteria: ACMG Guidelines, 2015. Collection method: clinical testing. Allele origin: germline. Affected: yes.
Comment: ACMG-criteria used: PVS1_moderate, PS1, PS4, PM2

ARUP Laboratories, Molecular Genetics and Genomics, ARUP Laboratories
Classification: Pathogenic. Last evaluated: 2025-06-30. Review status: criteria provided, single submitter. Criteria: ARUP Molecular Germline Variant Investigation Process 2024. Collection method: clinical testing. Allele origin: germline.
Comment: The NF1 c.3113+1G>A variant (rs267606599, ClinVar Variation ID: 345), also known as IVS18+1G>A in legacy nomenclature, is reported in the literature in several individuals affected with neurofibromatosis type 1 (Griffiths 2007, Kang 2020, Pros 2020). This variant is only observed on one allele in the Genome Aggregation Database (v2.1.1), indicating it is not a common polymorphism. This variant disrupts the canonical splice donor site of intron 23, and functional analyses of the variant protein show this variant leads to skipping of exon 23 (Upadhyaya 2008, Purandare 1995). Based on available information, this variant is considered to be pathogenic. References: Griffiths S et al. Molecular diagnosis of neurofibromatosis type 1: 2 years experience. Fam Cancer. 2007;6(1):21-34. PMID: 16944272. Kang E et al. Phenotype categorization of neurofibromatosis type I and correlation to NF1 mutation types. J Hum Genet. 2020 Jan;65(2):79-89. PMID: 31776437. Pros E et al. Nature and mRNA effect of 282 different NF1 point mutations: focus on splicing alterations. Hum Mutat. 2008 Sep;29(9):E173-93. PMID: 18546366. Purandare SM et al. Characterisation of a novel splice donor mutation affecting position +1 in intron 18 of the NF-1 gene. Hum Mol Genet. 1995 Apr;4(4):767-8. PMID: 7633431. Upadhyaya M et al. Germline and somatic NF1 gene mutations in plexiform neurofibromas. Hum Mutat. 2008 Aug;29(8):E103-11. PMID: 18484666.

Ambry Genetics
Classification: Pathogenic for Cardiovascular phenotype; Hereditary cancer-predisposing syndrome. Last evaluated: 2025-06-26. Review status: criteria provided, single submitter. Criteria: Ambry Variant Classification Scheme 2023. Collection method: clinical testing. Allele origin: germline.
Comment: The c.3113+1G>A intronic variant results from a G to A substitution one nucleotide after coding exon 23 of the NF1 gene. Alterations that disrupt the canonical splice site are expected to result in aberrant splicing. A resulting transcript is predicted to be in-frame and is not expected to trigger nonsense-mediated mRNAdecay. However, the region predicted to be impacted is critical for protein function (Ambry internal data). Based on data from gnomAD, the A allele has an overall frequency of <0.001% (1/250808) total alleles studied. The highest observed frequency was 0.003% (1/34580) of Latino alleles. This variant has been detected in multiple individuals who fulfilled diagnostic criteria for neurofibromatosis type 1 (Upadhyaya, 2008; Thomas, 2012; Emmerich, 2015; Hutter, 2016). This nucleotide position is highly conserved in available vertebrate species. RNA studies have demonstrated that the alteration results in skipping of exon 23, leading to an in-frame deletion in a region critical to protein function (Purandare, 1995; Ars, 2003; Pros, 2008; Ambry internal data). In silico splice site analysis predicts that this alteration will weaken the native splice donor site. Based on the available evidence, this alteration is classified as pathogenic.

Women's Health and Genetics/Laboratory Corporation of America, LabCorp
Classification: Pathogenic for Neurofibromatosis, type 1. Last evaluated: 2025-05-14. Review status: criteria provided, single submitter. Criteria: LabCorp Variant Classification Summary - May 2015. Collection method: clinical testing. Allele origin: germline.
Comment: Variant summary: NF1 c.3113+1G>A is located in a canonical splice-site and is predicted to affect mRNA splicing resulting in a significantly altered protein due to either exon skipping, shortening, or inclusion of intronic material. Variants that disrupt the consensus splice site are a relatively common cause of aberrant splicing and loss of NF1 function. Several computational tools predict a significant impact on normal splicing: four predict the variant abolishes a 5' splicing donor site. At least one publication reported experimental evidence that this variant affects mRNA splicing, demonstrating that the variant results in in-frame skipping of the neighboring exon 23 (Purandare_1995). The variant allele was found at a frequency of 4e-06 in 250808 control chromosomes (gnomAD). The variant, c.3113+1G>A, has been observed in individuals affected with Neurofibromatosis Type 1, including both familial- and de novo occurrences (e.g. Purandare_1995, Zhu_2019). These data indicate that the variant is likely to be associated with disease. The following publications have been ascertained in the context of this evaluation (PMID: 7633431, 31533797). ClinVar contains an entry for this variant (Variation ID: 345). Based on the evidence outlined above, the variant was classified as pathogenic.

NHS Central & South Genomic Laboratory Hub
Classification: Pathogenic for Neurofibromatosis type 1. Last evaluated: 2025-04-09. Review status: criteria provided, single submitter. Criteria: ACMG Guidelines, 2015. Collection method: clinical testing. Allele origin: germline. Affected: yes.

Sema4
Classification: Pathogenic for Hereditary cancer-predisposing syndrome. Last evaluated: 2022-03-18. Review status: criteria provided, single submitter. Criteria: Sema4 Curation Guidelines. Collection method: curation. Allele origin: germline.
Comment: The NF1 c.3113+1G>A variant has been reported in heterozygosity in several individuals with neurofibromatosis type 1 (PMID: 18546366, 25293717, 31370276, 31776437, 7633431). This variant affects a nucleotide within a consensus splice site of an intron. Functional studies have shown that this variant leads to skipping of exon 23 (also called exon 18 in the literature due to legacy nomenclature of NF1 exons) and resulting an in-frame deletion in a region critical to protein function (PMID: 7633431, 18546366, 31370276). This variant was observed in 1/34580 chromosomes in the Latino population, according to the Genome Aggregation Database (PMID: 32461654). The variant has been reported in ClinVar (Variation ID: 345). Based on the current evidence available, this variant is interpreted as pathogenic.

Genome-Nilou Lab
Classification: Pathogenic for Neurofibromatosis, type 1. Last evaluated: 2022-03-15. Review status: criteria provided, single submitter. Criteria: ACMG Guidelines, 2015. Collection method: clinical testing. Allele origin: germline. Affected: no.

GeneDx
Classification: Pathogenic. Last evaluated: 2021-11-16. Review status: criteria provided, single submitter. Criteria: GeneDx Variant Classification Process June 2021. Collection method: clinical testing. Allele origin: germline. Affected: yes.
Comment: Canonical splice site variant demonstrated to result in abnormal splicing leading to an in-frame deletion of a critical region (Purandare 1995); A different nucleotide change at this same canonical splice site (c.3113+1G>T) has been reported as pathogenic in ClinVar and at GeneDx (ClinVar SCV# SCV000253824.3; Landrum 2016); Also known as IVS18+1G>A; This variant is associated with the following publications: (PMID: 10712197, 25293717, 7633431, 16944272, 23913538, 26969325, 26962827, 18484666, 31370276, 31776437, 31533797)

Greenwood Genetic Center Diagnostic Laboratories, Greenwood Genetic Center
Classification: Pathogenic for Neurofibromatosis, type 1. Last evaluated: 2021-08-17. Review status: criteria provided, single submitter. Criteria: ACMG Guidelines, 2015. Collection method: clinical testing. Allele origin: germline. Affected: yes.
Comment: PVS1, PS3

NM_001042492.3(NF1):c.3113+1G>A

Gene: NF1 (neurofibromin 1; plus strand). Cytogenetic location: 17q11.2.
Variant type: single nucleotide variant.
Coding change: c.3113+1G>A on transcript NM_001042492.3 (MANE Select); the canonical splice donor site of the intron after coding-DNA position 3113, G replaced by A.
Molecular consequence: splice donor variant.
Genome position (GRCh38, 1-based): chr17:31,230,383, G>A. VCF-style: chr17-31230383-G-A. GRCh37 (hg19) VCF-style: chr17-29557401-G-A.
Other names: IVS18DS, G-A, +1; c.3113+1G>A (NM_000267.4).
Identifiers: ClinVar variation 345 (VCV000000345.49), dbSNP rs267606599, ClinGen allele CA251454.